The following is an entry in ClinVar:

NM_024665.7(TBL1XR1):c.395A>G (p.Asn132Ser)

Gene: TBL1XR1 (TBL1X/Y related 1; minus strand). Cytogenetic location: 3q26.32.
Variant type: single nucleotide variant.
Coding change: c.395A>G on transcript NM_024665.7 (MANE Select); coding-DNA position 395, A replaced by G.
Protein change: p.Asn132Ser; replaces asparagine 132 with serine.
Molecular consequence: missense variant.
Genome position (GRCh38, 1-based): chr3:177,051,536, T>C on the plus strand (A>G on the coding strand, the complement: TBL1XR1 is on the minus strand). VCF-style: chr3-177051536-T-C. GRCh37 (hg19) VCF-style: chr3-176769324-T-C.
Other names: c.395A>G, p.Asn132Ser (NM_001321193.3, NM_001321194.3, NM_001374327.1 and 2 more transcripts); c.134A>G, p.Asn45Ser (NM_001321195.3, NM_001374330.1); short protein forms N45S, N132S.
Identifiers: ClinVar variation 2766844 (VCV002766844.3), dbSNP rs2473732462, ClinGen allele CA355553101.

ClinVar aggregate classification (germline): Uncertain significance (1 of 4 stars; one submission).

Conditions:
Pierpont syndrome (PRPTS). Identifiers: Orphanet 487825, MedGen C1865644, MONDO:0011213, OMIM 602342.

Submission:

Labcorp Genetics (formerly Invitae), Labcorp
Classification: Uncertain significance for Pierpont syndrome. Last evaluated: 2023-10-08. Review status: criteria provided, single submitter. Criteria: Invitae Variant Classification Sherloc (09022015). Collection method: clinical testing. Allele origin: germline.
Comment: This sequence change replaces asparagine, which is neutral and polar, with serine, which is neutral and polar, at codon 132 of the TBL1XR1 protein (p.Asn132Ser). This variant is not present in population databases (gnomAD no frequency). This variant has not been reported in the literature in individuals affected with TBL1XR1-related conditions. An algorithm developed to predict the effect of missense changes on protein structure and function (PolyPhen-2) suggests that this variant is likely to be tolerated. In summary, the available evidence is currently insufficient to determine the role of this variant in disease. Therefore, it has been classified as a Variant of Uncertain Significance.